The following is an entry in ClinVar:

NM_181078.3(IL21R):c.571C>T (p.Arg191Cys)

Gene: IL21R (interleukin 21 receptor; plus strand). Cytogenetic location: 16p12.1.
Variant type: single nucleotide variant.
Coding change: c.571C>T on transcript NM_181078.3 (MANE Select); coding-DNA position 571, C replaced by T.
Protein change: p.Arg191Cys; replaces arginine 191 with cysteine.
Molecular consequence: missense variant.
Genome position (GRCh38, 1-based): chr16:27,444,605, C>T. VCF-style: chr16-27444605-C-T. GRCh37 (hg19) VCF-style: chr16-27455926-C-T.
Other names: c.571C>T, p.Arg191Cys (NM_021798.4); c.637C>T, p.Arg213Cys (NM_181079.5); short protein forms R191C, R213C.
Identifiers: ClinVar variation 709593 (VCV000709593.13), dbSNP rs3093370, ClinGen allele CA7975011.

ClinVar aggregate classification (germline): Conflicting classifications of pathogenicity. Review status: criteria provided, conflicting classifications (1 of 4 stars). 3 submissions from 3 submitters: Uncertain significance (2); Likely benign (1). Last evaluated 2026-01-21.

Conditions:
Cryptosporidiosis-chronic cholangitis-liver disease syndrome. Also called: Immunodeficiency type 56; IL21R immunodeficiency. Identifiers: Orphanet 357329, MedGen C3554687, MONDO:0014082, OMIM 615207.

Allele frequency attached by ClinVar (database versions not stated): gnomAD exomes 0.00007 and 0.00016; ExAC 0.00025; 1000 Genomes Project 30x 0.00062; gnomAD 0.00067 and 0.00069; 1000 Genomes Project 0.00080; TOPMed 0.00082; ESP Exome Variant Server 0.00108.
gnomAD v4.1: 214 of 1,584,130 alleles (0.014%); highest among the groups gnomAD compares: African/African-American, 0.23%; no homozygotes.

Submissions (3):

Labcorp Genetics (formerly Invitae), Labcorp
Classification: Likely benign for Cryptosporidiosis-chronic cholangitis-liver disease syndrome. Last evaluated: 2026-01-21. Review status: criteria provided, single submitter. Criteria: Invitae Variant Classification Sherloc (09022015). Collection method: clinical testing. Allele origin: germline.

Blueprint Genetics
Classification: Uncertain significance. Last evaluated: 2024-10-18. Review status: criteria provided, single submitter. Criteria: ACMG Guidelines, 2015. Collection method: clinical testing. Allele origin: germline.

GeneDx
Classification: Uncertain significance. Last evaluated: 2023-02-15. Review status: criteria provided, single submitter. Criteria: GeneDx Variant Classification Process June 2021. Collection method: clinical testing. Allele origin: germline. Affected: yes.
Comment: In silico analysis supports that this missense variant does not alter protein structure/function; Reported as a heterozygous, de novo variant in a proband with a developmental disorder (Turner et al., 2019); This variant is associated with the following publications: (PMID: 31785789)